The following is an entry in ClinVar:

NM_003590.5(CUL3):c.*1483C>G

Gene: CUL3 (cullin 3; minus strand). Cytogenetic location: 2q36.2.
Variant type: single nucleotide variant.
Coding change: c.*1483C>G on transcript NM_003590.5 (MANE Select); 1483 bases downstream of the stop codon, C replaced by G.
Molecular consequence: 3 prime UTR variant.
Genome position (GRCh38, 1-based): chr2:224,472,762, G>C on the plus strand (C>G on the coding strand, the complement: CUL3 is on the minus strand). VCF-style: chr2-224472762-G-C. GRCh37 (hg19) VCF-style: chr2-225337479-G-C.
Other names: c.*1483C>G (NM_001257197.2, NM_001257198.2).
Identifiers: ClinVar variation 334614 (VCV000334614.6), dbSNP rs79297951, ClinGen allele CA10614535.
Genomic context (GRCh38, chr2:224,472,762, plus strand): 5'-ATATTTGCAAGTCTAAAAGGAAAATTATAACCCAAGACGCATGGGGAAAAATATTTATGT[G>C]GAGTTTTTAATCCATATTAGAATTCAGTTGTTGTAACTTGACCATAAATTTAAACAGAAA-3'

ClinVar aggregate classification (germline): Benign (1 of 4 stars; one submission).

Conditions:
Pseudohypoaldosteronism type 2E (PHA2E). Also called: Pseudohypoaldosteronism Type IIE. Identifiers: Orphanet 300530, Orphanet 757, MedGen C3469606, MONDO:0013782, OMIM 614496.

Allele frequency attached by ClinVar (database versions not stated): 1000 Genomes Project 0.01378; 1000 Genomes Project 30x 0.01499; TOPMed 0.01738.
gnomAD v4.1: 2,471 of 196,862 alleles (1.3%); highest among the groups gnomAD compares: African/African-American, 5.4%; 69 homozygotes.

Submission:

Illumina Laboratory Services, Illumina
Classification: Benign for Pseudohypoaldosteronism type 2E. Last evaluated: 2018-01-13. Review status: criteria provided, single submitter. Criteria: ICSL Variant Classification Criteria 13 December 2019. Collection method: clinical testing. Allele origin: germline.
Comment: This variant was observed in the ICSL laboratory as part of a predisposition screen in an ostensibly healthy population. It had not been previously curated by ICSL or reported in the Human Gene Mutation Database (HGMD: prior to June 1st, 2018), and was therefore a candidate for classification through an automated scoring system. Utilizing variant allele frequency, disease prevalence and penetrance estimates, and inheritance mode, an automated score was calculated to assess if this variant is too frequent to cause the disease. Based on the score and internal cut-off values, a variant classified as benign is not then subjected to further curation. The score for this variant resulted in a classification of benign for this disease.